The following is an entry in ClinVar:

ClinVar aggregate classification (germline): Conflicting classifications of pathogenicity. Review status: criteria provided, conflicting classifications (1 of 4 stars). 7 submissions from 7 submitters: Likely pathogenic (3); Uncertain significance (4). Last evaluated 2026-01-17.

Conditions:
Neuronal ceroid lipofuscinosis. Also called: Neuronal Ceroid Lipofuscinoses. Identifiers: Orphanet 216, Orphanet 79263, MedGen C0027877, MONDO:0016295. Disease mechanism: loss of function.
Ceroid lipofuscinosis, neuronal, 6A. Also called: Neuronal ceroid lipofuscinosis, Gypsy/Indian early juvenile variant; Neuronal ceroid lipofuscinosis 6; CLN6-Related Neuronal Ceroid-Lipofuscinosis; Neuronal ceroid lipofuscinosis, late infantile, variant. Identifiers: Orphanet 168491, Orphanet 228363, MedGen C5551375, MONDO:0011144, OMIM 601780.

Allele frequency attached by ClinVar (database versions not stated): ExAC 0.00002; gnomAD exomes 0.00003; gnomAD 0.00006; TOPMed 0.00007; ESP Exome Variant Server 0.00023.
gnomAD v4.1: 54 of 1,613,488 alleles (0.0033%); highest among the groups gnomAD compares: Non-Finnish European, 0.0044%; no homozygotes.

Submissions (7):

Myriad Genetics, Inc.
Classification: Likely pathogenic for Neuronal ceroid lipofuscinosis. Last evaluated: 2026-01-17. Review status: criteria provided, single submitter. Criteria: Myriad Autosomal Dominant, Autosomal Recessive and X-Linked Classification Criteria (2023). Collection method: clinical testing. Allele origin: unknown.
Comment: NM_017882.2(CLN6):c.278C>T(T93M) is a missense variant classified as likely pathogenic in the context of neuronal ceroid lipofuscinosis, CLN6-related. T93M has been observed in cases with relevant disease (PMID: 24215330, 21990111, 30561534, Ramos_2022_(Dissertation)). Relevant functional assessments of this variant are not available in the literature. T93M has been observed in referenced population frequency databases. In summary, NM_017882.2(CLN6):c.278C>T(T93M) is a missense variant that has been observed more frequently in cases with the relevant disease than in healthy populations. Please note: this variant was assessed in the context of healthy population screening.

Natera, Inc.
Classification: Likely pathogenic for Ceroid lipofuscinosis, neuronal, 6A. Last evaluated: 2025-09-02. Review status: criteria provided, single submitter. Criteria: Natera Variant Classification Schema (03/2026). Collection method: clinical testing. Allele origin: germline.
Comment: The c.278C>T variant in CLN6 is a missense variant predicted to cause substitution of threonine to methionine at amino acid 93. This variant is rare in the general population with a frequency below the threshold expected for the associated phenotype(s). This variant has been observed in one or more individuals affected with the associated recessive disease, as either homozygous or compound heterozygous with a second variant (PMID: 30561534, 24215330). Additionally, this variant has been observed to segregate in affected family members (PMID: 30561534). Computational prediction algorithms indicate this variant is likely to affect gene or protein function. Given the available evidence, this variant is classified as Likely Pathogenic.

Labcorp Genetics (formerly Invitae), Labcorp
Classification: Uncertain significance for Neuronal ceroid lipofuscinosis. Last evaluated: 2022-09-01. Review status: criteria provided, single submitter. Criteria: Invitae Variant Classification Sherloc (09022015). Collection method: clinical testing. Allele origin: germline.
Comment: This sequence change replaces threonine, which is neutral and polar, with methionine, which is neutral and non-polar, at codon 93 of the CLN6 protein (p.Thr93Met). This variant is present in population databases (rs150001589, gnomAD 0.005%). This missense change has been observed in individual(s) with neuronal ceroid lipofuscinosis (PMID: 21990111, 24215330, 30561534). ClinVar contains an entry for this variant (Variation ID: 205183). Algorithms developed to predict the effect of missense changes on protein structure and function are either unavailable or do not agree on the potential impact of this missense change (SIFT: "Deleterious"; PolyPhen-2: "Probably Damaging"; Align-GVGD: "Class C0"). In summary, the available evidence is currently insufficient to determine the role of this variant in disease. Therefore, it has been classified as a Variant of Uncertain Significance.

Women's Health and Genetics/Laboratory Corporation of America, LabCorp
Classification: Uncertain significance. Last evaluated: 2021-12-28. Review status: criteria provided, single submitter. Criteria: LabCorp Variant Classification Summary - May 2015. Collection method: clinical testing. Allele origin: germline.
Comment: Variant summary: CLN6 c.278C>T (p.Thr93Met) results in a non-conservative amino acid change in the encoded protein sequence. Five of five in-silico tools predict a damaging effect of the variant on protein function. The variant allele was found at a frequency of 2.8e-05 in 251478 control chromosomes. The available data on variant occurrences in the general population are insufficient to allow any conclusion about variant significance. c.278C>T has been reported in the literature in individuals affected with mitochondrial disorder (DaRe_2013), Parkinson's disease (Robak_2017), or Neuronal Ceroid-Lipofuscinosis (Batten Disease, Berkovic_2019). These reports do not provide unequivocal conclusions about association of the variant with Neuronal Ceroid-Lipofuscinosis (Batten Disease). To our knowledge, no experimental evidence demonstrating an impact on protein function has been reported. Three clinical diagnostic laboratories have submitted clinical-significance assessments for this variant to ClinVar after 2014 without evidence for independent evaluation (likely pathogenic n=1, VUS n=2). Based on the evidence outlined above, the variant was classified as uncertain significance.

Blueprint Genetics
Classification: Uncertain significance. Last evaluated: 2020-12-14. Review status: criteria provided, single submitter. Criteria: ACMG Guidelines, 2015. Collection method: clinical testing. Allele origin: germline.

GeneDx
Classification: Uncertain significance. Last evaluated: 2020-01-28. Review status: criteria provided, single submitter. Criteria: GeneDx Variant Classification Process June 2021. Collection method: clinical testing. Allele origin: germline. Affected: yes.
Comment: Reported previously in a patient with adult-onset neuronal ceroid lipofusinosis who had a second CLN6 variant; however, information about parental testing was not provided (Kousi et al., 2012); Reported previously in a patient with suspected mitochondrial disease who was compound heterozygous for T93M and a second CLN6 variant (DeRa et al., 2013); Not observed at a significant frequency in large population cohorts (Lek et al., 2016); In silico analysis supports that this missense variant has a deleterious effect on protein structure/function; This variant is associated with the following publications: (PMID: 30561534, 21990111, 24215330)

CeGaT Center for Human Genetics Tuebingen
Classification: Likely pathogenic. Last evaluated: 2019-12-01. Review status: criteria provided, single submitter. Criteria: CeGaT Center For Human Genetics Tuebingen Variant Classification Criteria Version 2. Collection method: clinical testing. Allele origin: germline. Affected: yes. Observed: 1 variant allele.

Literature cited by the submitters: PubMed 30561534 (cited by 3 submitters); PubMed 24215330 (cited by 3 submitters); PubMed 21990111 (cited by Labcorp Genetics (formerly Invitae), Labcorp); PubMed 29140481 (cited by Women's Health and Genetics/Laboratory Corporation of America, LabCorp).

NM_017882.3(CLN6):c.278C>T (p.Thr93Met)

Gene: CLN6 (CLN6 transmembrane ER protein; minus strand). Cytogenetic location: 15q23.
Variant type: single nucleotide variant.
Coding change: c.278C>T on transcript NM_017882.3 (MANE Select); coding-DNA position 278, C replaced by T.
Protein change: p.Thr93Met; replaces threonine 93 with methionine.
Molecular consequence: missense variant.
Genome position (GRCh38, 1-based): chr15:68,214,309, G>A on the plus strand (C>T on the coding strand, the complement: CLN6 is on the minus strand). VCF-style: chr15-68214309-G-A. GRCh37 (hg19) VCF-style: chr15-68506647-G-A.
Other names: p.T93M:ACG>ATG; short protein forms T93M.
Identifiers: ClinVar variation 205183 (VCV000205183.54), dbSNP rs150001589, ClinGen allele CA313990.